The following is an entry in ClinVar:

NM_015386.3(COG4):c.1434_1435del (p.Ala480fs)

Gene: COG4 (component of oligomeric golgi complex 4; minus strand). Cytogenetic location: 16q22.1.
Variant type: Microsatellite.
Coding change: c.1434_1435del on transcript NM_015386.3 (MANE Select); coding-DNA positions 1434 to 1435, 2 bases deleted (CT; older notation c.1434_1435delCT).
Protein change: p.Ala480fs; shifts the reading frame from alanine 480.
Molecular consequence: frameshift variant. On other transcripts: non-coding transcript variant (1).
Genome position (GRCh38, 1-based): chr16:70,497,267-70,497,268, AG deleted on the plus strand (CT on the coding strand, the reverse complement: COG4 is on the minus strand); deleting any 2 consecutive bases within chr16:70,497,267-70,497,271 gives the same sequence; the c. name uses the placement nearest the transcript's 3' end. VCF-style (leftmost placement, unchanged base first): chr16-70497266-CAG-C. GRCh37 (hg19) VCF-style: chr16-70531169-CAG-C.
Other names: c.1422_1423del, p.Ala476fs (NM_001195139.2); c.1008_1009del, p.Ala338fs (NM_001365426.1); short protein forms A476fs, A480fs, A338fs.
Identifiers: ClinVar variation 4719224 (VCV004719224.1).

ClinVar aggregate classification (germline): Pathogenic (1 of 4 stars; one submission).

Conditions:
COG4-congenital disorder of glycosylation. Also called: COG4-CDG; CONGENITAL DISORDER OF GLYCOSYLATION, TYPE IIj; CDG IIj. Identifiers: Orphanet 263501, MedGen C4303552, MONDO:0013281, OMIM 613489.

Submission:

Labcorp Genetics (formerly Invitae), Labcorp
Classification: Pathogenic for COG4-congenital disorder of glycosylation. Last evaluated: 2025-11-23. Review status: criteria provided, single submitter. Criteria: Invitae Variant Classification Sherloc (09022015). Collection method: clinical testing. Allele origin: germline.
Comment: This sequence change creates a premature translational stop signal (p.Ala480Hisfs*12) in the COG4 gene. It is expected to result in an absent or disrupted protein product. Loss-of-function variants in COG4 are known to be pathogenic (PMID: 21185756). This variant is present in population databases (no rsID available, gnomAD 0.0009%). This variant has not been reported in the literature in individuals affected with COG4-related conditions. For these reasons, this variant has been classified as Pathogenic.

Literature cited by the submitters: PubMed 21185756.